The following is an entry in ClinVar:

ClinVar aggregate classification (germline): Uncertain significance (1 of 4 stars; one submission).

Conditions:
Werner syndrome (WRN). Identifiers: Orphanet 902, MedGen C0043119, MONDO:0010196, OMIM 277700.

Submission:

Labcorp Genetics (formerly Invitae), Labcorp
Classification: Uncertain significance for Werner syndrome. Last evaluated: 2019-11-30. Review status: criteria provided, single submitter. Criteria: Invitae Variant Classification Sherloc (09022015). Collection method: clinical testing. Allele origin: germline.
Comment: This sequence change replaces glutamic acid with alanine at codon 1391 of the WRN protein (p.Glu1391Ala). The glutamic acid residue is weakly conserved and there is a moderate physicochemical difference between glutamic acid and alanine. This variant is not present in population databases (ExAC no frequency). This variant has not been reported in the literature in individuals with WRN-related conditions. Algorithms developed to predict the effect of missense changes on protein structure and function (SIFT, PolyPhen-2, Align-GVGD) all suggest that this variant is likely to be tolerated, but these predictions have not been confirmed by published functional studies and their clinical significance is uncertain. In summary, the available evidence is currently insufficient to determine the role of this variant in disease. Therefore, it has been classified as a Variant of Uncertain Significance.

NM_000553.6(WRN):c.4172A>C (p.Glu1391Ala)

Gene: WRN (WRN RecQ like helicase; plus strand). Cytogenetic location: 8p12.
Variant type: single nucleotide variant.
Coding change: c.4172A>C on transcript NM_000553.6 (MANE Select); coding-DNA position 4172, A replaced by C.
Protein change: p.Glu1391Ala; replaces glutamic acid 1391 with alanine.
Molecular consequence: missense variant.
Genome position (GRCh38, 1-based): chr8:31,167,211, A>C. VCF-style: chr8-31167211-A-C. GRCh37 (hg19) VCF-style: chr8-31024727-A-C.
Other names: short protein forms E1391A.
Identifiers: ClinVar variation 861345 (VCV000861345.2), dbSNP rs1426646860, ClinGen allele CA370910032.